The following is an entry in ClinVar:

ClinVar aggregate classification (germline): Uncertain significance (1 of 4 stars; one submission).

Submission:

GeneDx
Classification: Uncertain significance. Last evaluated: 2024-10-28. Review status: criteria provided, single submitter. Criteria: GeneDx Variant Classification Process June 2021. Collection method: clinical testing. Allele origin: germline. Affected: yes.
Comment: Not observed at significant frequency in large population cohorts (gnomAD); In silico analysis indicates that this missense variant does not alter protein structure/function; Has not been previously published as pathogenic or benign to our knowledge

NM_000459.5(TEK):c.511C>A (p.Pro171Thr)

Gene: TEK (TEK receptor tyrosine kinase; plus strand). Cytogenetic location: 9p21.2.
Variant type: single nucleotide variant.
Coding change: c.511C>A on transcript NM_000459.5 (MANE Select); coding-DNA position 511, C replaced by A.
Protein change: p.Pro171Thr; replaces proline 171 with threonine.
Molecular consequence: missense variant.
Genome position (GRCh38, 1-based): chr9:27,169,512, C>A. VCF-style: chr9-27169512-C-A. GRCh37 (hg19) VCF-style: chr9-27169510-C-A.
Other names: c.511C>A, p.Pro171Thr (NM_001290077.2, NM_001375475.1, NM_001375476.1); c.199C>A, p.Pro67Thr (NM_001290078.2); short protein forms P171T, P67T.
Identifiers: ClinVar variation 3893590 (VCV003893590.1).